The following is an entry in ClinVar:

ClinVar aggregate classification (germline): Uncertain significance (1 of 4 stars; one submission).

Allele frequency attached by ClinVar (database versions not stated): gnomAD exomes below 0.00001; gnomAD 0.00001; ExAC 0.00002.
gnomAD v4.1: 8 of 1,613,360 alleles (0.0005%); highest among the groups gnomAD compares: South Asian, 0.0077%; no homozygotes.

Submission:

Labcorp Genetics (formerly Invitae), Labcorp
Classification: Uncertain significance. Last evaluated: 2024-07-08. Review status: criteria provided, single submitter. Criteria: Invitae Variant Classification Sherloc (09022015). Collection method: clinical testing. Allele origin: germline.
Comment: This sequence change replaces asparagine, which is neutral and polar, with histidine, which is basic and polar, at codon 126 of the ACAN protein (p.Asn126His). This variant is present in population databases (rs780095199, gnomAD 0.01%). This variant has not been reported in the literature in individuals affected with ACAN-related conditions. Advanced modeling of protein sequence and biophysical properties (such as structural, functional, and spatial information, amino acid conservation, physicochemical variation, residue mobility, and thermodynamic stability) performed at Invitae indicates that this missense variant is not expected to disrupt ACAN protein function with a negative predictive value of 80%. In summary, the available evidence is currently insufficient to determine the role of this variant in disease. Therefore, it has been classified as a Variant of Uncertain Significance.

NM_001369268.1(ACAN):c.376A>C (p.Asn126His)

Gene: ACAN (aggrecan; plus strand). Cytogenetic location: 15q26.1.
Variant type: single nucleotide variant.
Coding change: c.376A>C on transcript NM_001369268.1 (MANE Select); coding-DNA position 376, A replaced by C.
Protein change: p.Asn126His; replaces asparagine 126 with histidine.
Molecular consequence: missense variant.
Genome position (GRCh38, 1-based): chr15:88,838,968, A>C. VCF-style: chr15-88838968-A-C. GRCh37 (hg19) VCF-style: chr15-89382199-A-C.
Other names: c.376A>C, p.Asn126His (NM_001135.4, NM_001411096.1, NM_001411097.1 and 1 more transcripts); short protein forms N126H.
Identifiers: ClinVar variation 2848360 (VCV002848360.3), dbSNP rs780095199, ClinGen allele CA7719206.